The following is an entry in ClinVar:

ClinVar aggregate classification (germline): Uncertain significance (1 of 4 stars; one submission).

Conditions:
Severe combined immunodeficiency due to IKK2 deficiency. Also called: Immunodeficiency 15; IMMUNODEFICIENCY 15B. Identifiers: Orphanet 397787, MedGen C4747743, MONDO:0014267, OMIM 615592.

Submission:

Labcorp Genetics (formerly Invitae), Labcorp
Classification: Uncertain significance for Severe combined immunodeficiency due to IKK2 deficiency. Last evaluated: 2026-01-23. Review status: criteria provided, single submitter. Criteria: Invitae Variant Classification Sherloc (09022015). Collection method: clinical testing. Allele origin: germline.
Comment: This sequence change creates a premature translational stop signal (p.Glu748*) in the IKBKB gene. While this is not anticipated to result in nonsense mediated decay, it is expected to disrupt the last 9 amino acid(s) of the IKBKB protein. This variant is not present in population databases (gnomAD no frequency). This variant has not been reported in the literature in individuals affected with IKBKB-related conditions. Experimental studies and prediction algorithms are not available or were not evaluated, and the functional significance of this variant is currently unknown. Algorithms developed to predict the effect of sequence changes on RNA splicing suggest that this variant may disrupt the consensus splice site. In summary, the available evidence is currently insufficient to determine the role of this variant in disease. Therefore, it has been classified as a Variant of Uncertain Significance.

NM_001556.3(IKBKB):c.2242G>T (p.Glu748Ter)

Gene: IKBKB (inhibitor of nuclear factor kappa B kinase subunit beta; plus strand). Cytogenetic location: 8p11.21.
Variant type: single nucleotide variant.
Coding change: c.2242G>T on transcript NM_001556.3 (MANE Select); coding-DNA position 2242, G replaced by T.
Protein change: p.Glu748Ter; replaces glutamic acid 748 with a stop codon.
Molecular consequence: nonsense. On other transcripts: non-coding transcript variant (3).
Genome position (GRCh38, 1-based): chr8:42,330,950, G>T. VCF-style: chr8-42330950-G-T. GRCh37 (hg19) VCF-style: chr8-42188468-G-T.
Other names: c.2050G>T, p.Glu684Ter (NM_001190720.3); c.2065G>T, p.Glu689Ter (NM_001242778.2); short protein forms E684*, E689*, E748*.
Identifiers: ClinVar variation 4724520 (VCV004724520.1).